The following is an entry in ClinVar:

ClinVar aggregate classification (germline): Pathogenic (1 of 4 stars; one submission).

Submission:

GeneDx
Classification: Pathogenic. Last evaluated: 2026-08-09. Review status: criteria provided, single submitter. Criteria: GeneDx Variant Classification Process June 2021. Collection method: clinical testing. Allele origin: germline.
Comment: Frameshift variant predicted to result in abnormal protein length as the last 88 amino acids are replaced with 34 different amino acids, and other similar variants have been reported in HGMD; Not observed at significant frequency in large population cohorts (gnomAD); This variant is associated with the following publications: (PMID: 36454652)

NM_006565.4(CTCF):c.1916dup (p.Pro640fs)

Gene: CTCF (CCCTC-binding factor; plus strand). Cytogenetic location: 16q22.1.
Variant type: Duplication.
Coding change: c.1916dup on transcript NM_006565.4 (MANE Select); coding-DNA position 1916, one base duplicated (A; older notation c.1916dupA).
Protein change: p.Pro640fs; shifts the reading frame from proline 640.
Molecular consequence: frameshift variant.
Genome position (GRCh38, 1-based): chr16:67,636,768, A duplicated. VCF-style (leftmost placement, unchanged base first): chr16-67636767-C-CA. GRCh37 (hg19) VCF-style: chr16-67670670-C-CA.
Other names: c.1916dup (NM_006565.3); c.932dup, p.Pro312fs (NM_001191022.2); c.1916dup, p.Pro640Alafs (NM_001363916.2); c.1916dupA (NM_006565.3); short protein forms P640fs, P312fs.
Identifiers: ClinVar variation 546453 (VCV000546453.3), dbSNP rs1555536759, ClinGen allele CA658824349.